The following is an entry in ClinVar:

ClinVar aggregate classification (germline): Uncertain significance (1 of 4 stars; one submission).

Allele frequency attached by ClinVar (database versions not stated): gnomAD 0.00001.
gnomAD v4.1: 20 of 1,613,948 alleles (0.0012%); highest among the groups gnomAD compares: Admixed American, 0.0017%; no homozygotes.

Submission:

Greenwood Genetic Center Diagnostic Laboratories, Greenwood Genetic Center
Classification: Uncertain significance. Last evaluated: 2022-06-16. Review status: criteria provided, single submitter. Criteria: ACMG Guidelines, 2015. Collection method: clinical testing. Allele origin: germline. Affected: yes.
Comment: PM2, BP4, PP2

NM_198880.3(QRICH1):c.1265C>T (p.Pro422Leu)

Gene: QRICH1 (glutamine rich 1; minus strand). Cytogenetic location: 3p21.31.
Variant type: single nucleotide variant.
Coding change: c.1265C>T on transcript NM_198880.3 (MANE Select); coding-DNA position 1265, C replaced by T.
Protein change: p.Pro422Leu; replaces proline 422 with leucine.
Molecular consequence: missense variant.
Genome position (GRCh38, 1-based): chr3:49,056,935, G>A on the plus strand (C>T on the coding strand, the complement: QRICH1 is on the minus strand). VCF-style: chr3-49056935-G-A. GRCh37 (hg19) VCF-style: chr3-49094368-G-A.
Other names: c.1265C>T, p.Pro422Leu (NM_001320580.2, NM_001320581.2, NM_001320582.2 and 4 more transcripts); short protein forms P422L.
Identifiers: ClinVar variation 1703119 (VCV001703119.3), dbSNP rs757974895, ClinGen allele CA74003699.